The following is an entry in ClinVar:

ClinVar aggregate classification (germline): Likely benign (1 of 4 stars; one submission).

Conditions:
Breast-ovarian cancer, familial, susceptibility to, 2 (BROVCA2). Also called: BRCA2 Hereditary Breast and Ovarian Cancer. Identifiers: Orphanet 145, MedGen C2675520, MONDO:0012933, OMIM 612555. Disease mechanism: loss of function.

gnomAD v4.1: 1 of 1,614,074 alleles (0.000062%); highest among the groups gnomAD compares: Non-Finnish European, 0.000085%; no homozygotes.

Submission:

Cancer Bioinformatics and Tumour Evolution Laboratory, Monash University
Classification: Likely benign for Breast-ovarian cancer, familial, susceptibility to, 2. Last evaluated: 2026-05-01. Review status: criteria provided, single submitter. Criteria: ClinGen BRCA1 and BRCA2 Guidelines, 2024. Collection method: curation. Allele origin: germline. Inheritance: Autosomal dominant inheritance.
Comment: PMID: 39281752 - A large scale study to determine the case-control LR of BRCA1 and BRCA2 variants. The data was consolidated in the ccLR browser. This variant was found in the browser with a LR of 0.94170411 which is in the no evidence range according to the BRCA1 and BRCA2 VCEP. Hence, no evidence code is applied. Missense variant outside of a functional domain with no splice impact. BRCA1 and BRCA2 VCEP guidelines recommend application of BP1_Strong (PMID: 39142283)

Literature cited by the submitters: PubMed 39281752.

NM_000059.4(BRCA2):c.3483T>G (p.Asp1161Glu)

Gene: BRCA2 (BRCA2 DNA repair associated; plus strand). Cytogenetic location: 13q13.1.
Variant type: single nucleotide variant.
Coding change: c.3483T>G on transcript NM_000059.4 (MANE Select); coding-DNA position 3483, T replaced by G.
Protein change: p.Asp1161Glu; replaces aspartic acid 1161 with glutamic acid.
Molecular consequence: missense variant. On other transcripts: non-coding transcript variant (1), intron variant (2).
Genome position (GRCh38, 1-based): chr13:32,337,838, T>G. VCF-style: chr13-32337838-T-G. GRCh37 (hg19) VCF-style: chr13-32911975-T-G.
Other names: c.3483T>G, p.Asp1161Glu (NM_001406719.1, NM_001406720.1, NM_001432077.1); c.1909+4451T>G (NM_001406721.1); c.425-6720T>G (NM_001406722.1); short protein forms D1161E.
Identifiers: ClinVar variation 4856474 (VCV004856474.1).